The following is an entry in ClinVar:

ClinVar aggregate classification (germline): Uncertain significance (1 of 4 stars; one submission).

Conditions:
Inborn genetic diseases. Identifiers: MedGen C0950123, MeSH D030342.

gnomAD v4.1: 5 of 1,612,622 alleles (0.00031%); highest among the groups gnomAD compares: South Asian, 0.0011%; no homozygotes.

Submission:

Ambry Genetics
Classification: Uncertain significance for Inborn genetic diseases. Last evaluated: 2025-12-16. Review status: criteria provided, single submitter. Criteria: Ambry Variant Classification Scheme 2023. Collection method: clinical testing. Allele origin: germline.
Comment: The c.3180A>G (p.I1060M) alteration is located in exon 28 (coding exon 27) of the NALCN gene. This alteration results from a A to G substitution at nucleotide position 3180, causing the isoleucine (I) at amino acid position 1060 to be replaced by a methionine (M). Based on data from gnomAD, the G allele has an overall frequency of <0.001% (1/249352) total alleles studied. The highest observed frequency was 0.001% (1/112868) of European (non-Finnish) alleles. Based on insufficient or conflicting evidence, the clinical significance of this alteration remains unclear.

NM_052867.4(NALCN):c.3180A>G (p.Ile1060Met)

Gene: NALCN (sodium leak channel, non-selective; minus strand). Cytogenetic location: 13q32.3.
Variant type: single nucleotide variant.
Coding change: c.3180A>G on transcript NM_052867.4 (MANE Select); coding-DNA position 3180, A replaced by G.
Protein change: p.Ile1060Met; replaces isoleucine 1060 with methionine.
Molecular consequence: missense variant.
Genome position (GRCh38, 1-based): chr13:101,095,663, T>C on the plus strand (A>G on the coding strand, the complement: NALCN is on the minus strand). VCF-style: chr13-101095663-T-C. GRCh37 (hg19) VCF-style: chr13-101748014-T-C.
Other names: c.3267A>G, p.Ile1089Met (NM_001350748.2); c.3180A>G, p.Ile1060Met (NM_001350749.2); c.3093A>G, p.Ile1031Met (NM_001350750.2, NM_001350751.2); short protein forms I1060M, I1089M, I1031M.
Identifiers: ClinVar variation 4834725 (VCV004834725.1).